The following is an entry in ClinVar:

NM_001001563.5(TIMM50):c.46C>T (p.Arg16Trp)

Gene: TIMM50 (translocase of inner mitochondrial membrane 50; plus strand). Cytogenetic location: 19q13.2.
Variant type: single nucleotide variant.
Coding change: c.46C>T on transcript NM_001001563.5 (MANE Select); coding-DNA position 46, C replaced by T.
Protein change: p.Arg16Trp; replaces arginine 16 with tryptophan.
Molecular consequence: missense variant. On other transcripts: 5 prime UTR variant (1).
Genome position (GRCh38, 1-based): chr19:39,480,899, C>T. VCF-style: chr19-39480899-C-T. GRCh37 (hg19) VCF-style: chr19-39971539-C-T.
Other names: c.-235C>T (NM_001329559.2); short protein forms R16W.
Identifiers: ClinVar variation 1489613 (VCV001489613.8), dbSNP rs1012155073, ClinGen allele CA308237035.
Genomic context (GRCh38, chr19:39,480,899, plus strand): 5'-TGGCGTCAGCGCAAGATGGCGGCCTCGGCAGCGGTGTTCTCGCGCTTGCGAAGCGGGCTC[C>T]GGCTCGGCTCGCGGGGACTGTGCACGAGGTTGGCGACGCCGCCCCGCCGGGCCCCAGATC-3'
Protein context (NP_001001563.2, residues 6-26): AVFSRLRSGL[Arg16Trp]LGSRGLCTRL

ClinVar aggregate classification (germline): Uncertain significance (1 of 4 stars; one submission).

Allele frequency attached by ClinVar (database versions not stated): gnomAD 0.00001; TOPMed 0.00002.

Submission:

Labcorp Genetics (formerly Invitae), Labcorp
Classification: Uncertain significance. Last evaluated: 2021-06-17. Review status: criteria provided, single submitter. Criteria: Invitae Variant Classification Sherloc (09022015). Collection method: clinical testing. Allele origin: germline.
Comment: In summary, the available evidence is currently insufficient to determine the role of this variant in disease. Therefore, it has been classified as a Variant of Uncertain Significance. Algorithms developed to predict the effect of missense changes on protein structure and function are either unavailable or do not agree on the potential impact of this missense change (SIFT: "Not Available"; PolyPhen-2: "Possibly Damaging"; Align-GVGD: "Not Available"). This variant has not been reported in the literature in individuals with TIMM50-related conditions. This variant is not present in population databases (ExAC no frequency). This sequence change replaces arginine with tryptophan at codon 119 of the TIMM50 protein (p.Arg119Trp). The arginine residue is weakly conserved and there is a moderate physicochemical difference between arginine and tryptophan.